The following is an entry in ClinVar:

NM_152564.5(VPS13B):c.1009C>T (p.Gln337Ter)

Gene: VPS13B (vacuolar protein sorting 13 homolog B; plus strand). Cytogenetic location: 8q22.2.
Variant type: single nucleotide variant.
Coding change: c.1009C>T on transcript NM_152564.5 (MANE Select); coding-DNA position 1009, C replaced by T.
Protein change: p.Gln337Ter; replaces glutamine 337 with a stop codon.
Molecular consequence: nonsense. On other transcripts: non-coding transcript variant (1).
Genome position (GRCh38, 1-based): chr8:99,121,248, C>T. VCF-style: chr8-99121248-C-T. GRCh37 (hg19) VCF-style: chr8-100133476-C-T.
Other names: c.1009C>T, p.Gln337Ter (NM_015243.3, NM_017890.5, NM_181661.3); short protein forms Q337*.
Identifiers: ClinVar variation 4995621 (VCV004995621.1).

ClinVar aggregate classification (germline): Likely pathogenic (1 of 4 stars; one submission).

Conditions:
VPS13B-related disorder. Also called: VPS13B-related condition.

Submission:

PreventionGenetics, part of Exact Sciences
Classification: Likely pathogenic for VPS13B-related condition. Last evaluated: 2026-03-11. Review status: criteria provided, single submitter. Criteria: ACMG Guidelines, 2015. Collection method: clinical testing. Allele origin: germline.
Comment: The VPS13B c.1009C>T variant is predicted to result in premature protein termination (p.Gln337*). To our knowledge, this variant has not been reported in the literature or in a large population database (gnomAD), indicating this variant is rare. Nonsense variants in VPS13B are expected to be pathogenic. This variant is interpreted as likely pathogenic.